The following is an entry in ClinVar:

NM_005359.6(SMAD4):c.173T>C (p.Ile58Thr)

Gene: SMAD4 (SMAD family member 4; plus strand). Cytogenetic location: 18q21.2.
Variant type: single nucleotide variant.
Coding change: c.173T>C on transcript NM_005359.6 (MANE Select); coding-DNA position 173, T replaced by C.
Protein change: p.Ile58Thr; replaces isoleucine 58 with threonine.
Molecular consequence: missense variant. On other transcripts: non-coding transcript variant (2).
Genome position (GRCh38, 1-based): chr18:51,047,219, T>C. VCF-style: chr18-51047219-T-C. GRCh37 (hg19) VCF-style: chr18-48573589-T-C.
Other names: c.173T>C, p.Ile58Thr (NM_001407041.1, NM_001407042.1, NM_001407043.1); short protein forms I58T.
Identifiers: ClinVar variation 5029715 (VCV005029715.1).
Genomic context (GRCh38, chr18:51,047,219, plus strand): 5'-GAGCAATTGAAAGTTTGGTAAAGAAGCTGAAGGAGAAAAAAGATGAATTGGATTCTTTAA[T>C]AACAGCTATAACTACAAATGGAGCTCATCCTAGTAAATGTGTTACCATACAGAGAACATT-3'
Protein context (NP_005350.1, residues 48-68): KEKKDELDSL[Ile58Thr]TAITTNGAHP

ClinVar aggregate classification (germline): Uncertain significance (1 of 4 stars; one submission).

Conditions:
Familial thoracic aortic aneurysm and aortic dissection (TAAD). Also called: Thoracic aortic aneurysms and dissections. Identifiers: Orphanet 91387, MedGen C4707243, MONDO:0019625.
Hereditary cancer-predisposing syndrome. Also called: Neoplastic Syndromes, Hereditary; Tumor predisposition; Hereditary neoplastic syndrome; Hereditary Cancer Syndrome. Identifiers: Orphanet 140162, MedGen C0027672, MeSH D009386, MONDO:0015356.

Submission:

Ambry Genetics
Classification: Uncertain significance for Hereditary cancer-predisposing syndrome; Familial thoracic aortic aneurysm and aortic dissection. Last evaluated: 2026-07-30. Review status: criteria provided, single submitter. Criteria: Ambry Variant Classification Scheme 2023. Collection method: clinical testing. Allele origin: germline.
Comment: The p.I58T variant (also known as c.173T>C), located in coding exon 1 of the SMAD4 gene, results from a T to C substitution at nucleotide position 173. The isoleucine at codon 58 is replaced by threonine, an amino acid with similar properties. This amino acid position is highly conserved in available vertebrate species. In addition, this alteration is predicted to be deleterious by in silico analysis. Based on the available evidence, the clinical significance of this variant remains unclear.